The following is an entry in ClinVar:

ClinVar aggregate classification (germline): Likely benign (1 of 4 stars; one submission).

Conditions:
KMT5B-related disorder. Also called: KMT5B-related condition.

gnomAD v4.1: 8 of 1,613,982 alleles (0.0005%); highest among the groups gnomAD compares: African/African-American, 0.0093%; no homozygotes.

Submission:

PreventionGenetics, part of Exact Sciences
Classification: Likely benign for KMT5B-related condition. Last evaluated: 2026-08-17. Review status: criteria provided, single submitter. Criteria: ACMG Guidelines, 2015. Collection method: clinical testing. Allele origin: germline.
Comment: This variant is classified as likely benign based on ACMG/AMP sequence variant interpretation guidelines (Richards et al. 2015 PMID: 25741868, with internal and published modifications).

NM_017635.5(KMT5B):c.1464G>T (p.Leu488Phe)

Gene: KMT5B (lysine methyltransferase 5B; minus strand). Cytogenetic location: 11q13.2.
Variant type: single nucleotide variant.
Coding change: c.1464G>T on transcript NM_017635.5 (MANE Select); coding-DNA position 1464, G replaced by T.
Protein change: p.Leu488Phe; replaces leucine 488 with phenylalanine.
Molecular consequence: missense variant.
Genome position (GRCh38, 1-based): chr11:68,158,882, C>A on the plus strand (G>T on the coding strand, the complement: KMT5B is on the minus strand). VCF-style: chr11-68158882-C-A. GRCh37 (hg19) VCF-style: chr11-67926349-C-A.
Other names: c.948G>T, p.Leu316Phe (NM_001300907.1, NM_001369428.1, NM_001369429.1 and 4 more transcripts); c.744G>T, p.Leu248Phe (NM_001300908.2); c.1464G>T, p.Leu488Phe (NM_001369426.1); short protein forms L316F, L248F, L488F.
Identifiers: ClinVar variation 4990351 (VCV004990351.1).